The following is an entry in ClinVar:

NM_000487.6(ARSA):c.1107G>C (p.Lys369Asn)

Gene: ARSA (arylsulfatase A; minus strand). Cytogenetic location: 22q13.33.
Variant type: single nucleotide variant.
Coding change: c.1107G>C on transcript NM_000487.6 (MANE Select); coding-DNA position 1107, G replaced by C.
Protein change: p.Lys369Asn; replaces lysine 369 with asparagine.
Molecular consequence: missense variant.
Genome position (GRCh38, 1-based): chr22:50,625,936, C>G on the plus strand (G>C on the coding strand, the complement: ARSA is on the minus strand). VCF-style: chr22-50625936-C-G. GRCh37 (hg19) VCF-style: chr22-51064364-C-G.
Other names: c.1107G>C, p.Lys369Asn (NM_001085425.3, NM_001085426.3, NM_001085427.3); c.849G>C, p.Lys283Asn (NM_001085428.3, NM_001362782.2); short protein forms K369N, K283N.
Identifiers: ClinVar variation 68112 (VCV000068112.8), dbSNP rs199476369, ClinGen allele CA218980.

ClinVar aggregate classification (germline): Uncertain significance. Review status: criteria provided, single submitter (1 of 4 stars). 2 submissions from 2 submitters: Uncertain significance (1). 1 of the submissions does not count toward it. Last evaluated 2019-05-02.

Conditions:
Metachromatic leukodystrophy (MLD). Also called: ARSA DEFICIENCY; CEREBROSIDE SULFATASE DEFICIENCY; METACHROMATIC LEUKOENCEPHALOPATHY; Cerebral sclerosis diffuse metachromatic form; Arylsulfatase A Deficiency; SULFATIDE LIPIDOSIS. Identifiers: Orphanet 512, MedGen C0023522, MONDO:0018868, OMIM 250100.

Submissions (2):

Labcorp Genetics (formerly Invitae), Labcorp
Classification: Uncertain significance for Metachromatic leukodystrophy. Last evaluated: 2019-05-02. Review status: criteria provided, single submitter. Criteria: Invitae Variant Classification Sherloc (09022015). Collection method: clinical testing. Allele origin: germline.
Comment: Algorithms developed to predict the effect of missense changes on protein structure and function (SIFT, PolyPhen-2, Align-GVGD) all suggest that this variant is likely to be tolerated, but these predictions have not been confirmed by published functional studies and their clinical significance is uncertain. This variant has been observed in an individual affected with metachromatic leukodystrophy (PMID: 9090526). ClinVar contains an entry for this variant (Variation ID: 68112). This variant is not present in population databases (ExAC no frequency). This sequence change replaces lysine with asparagine at codon 369 of the ARSA protein (p.Lys369Asn). The lysine residue is moderately conserved and there is a moderate physicochemical difference between lysine and asparagine. This variant also falls at the last nucleotide of exon 6 of the ARSA coding sequence, which is part of the consensus splice site for this exon. Nucleotide substitutions within the consensus splice site are a relatively common cause of aberrant splicing (PMID: 17576681, 9536098). Algorithms developed to predict the effect of sequence changes on RNA splicing suggest that this variant may disrupt the consensus splice site, but this prediction has not been confirmed by published transcriptional studies. In summary, the available evidence is currently insufficient to determine the role of this variant in disease. Therefore, it has been classified as a Variant of Uncertain Significance.

UniProtKB/Swiss-Prot
No classification provided. Review status: no classification provided. Collection method: not provided. Allele origin: not provided. Not counted in ClinVar's aggregate classification.

Literature cited by the submitters: PubMed 9090526 (cited by Labcorp Genetics (formerly Invitae), Labcorp); PubMed 17576681 (cited by Labcorp Genetics (formerly Invitae), Labcorp); PubMed 9536098 (cited by Labcorp Genetics (formerly Invitae), Labcorp).